The following is an entry in ClinVar:

ClinVar aggregate classification (germline): Uncertain significance. Review status: criteria provided, multiple submitters, no conflicts (2 of 4 stars). 4 submissions from 4 submitters: Uncertain significance (4). Last evaluated 2025-01-20.

Conditions:
Glycogen storage disease due to muscle beta-enolase deficiency (GSD13). Also called: ENOLASE 3 DEFICIENCY; ENOLASE-BETA DEFICIENCY; GSD XIII; Glycogen Storage Disease Type XIII. Identifiers: Orphanet 99849, MedGen C2752027, MONDO:0013046, OMIM 612932.

Allele frequency attached by ClinVar (database versions not stated): ExAC 0.00003; gnomAD 0.00004 and 0.00006; gnomAD exomes 0.00005 and 0.00006; TOPMed 0.00007; ESP Exome Variant Server 0.00008.

Submissions (4):

Labcorp Genetics (formerly Invitae), Labcorp
Classification: Uncertain significance for Glycogen storage disease due to muscle beta-enolase deficiency. Last evaluated: 2025-01-20. Review status: criteria provided, single submitter. Criteria: Invitae Variant Classification Sherloc (09022015). Collection method: clinical testing. Allele origin: germline.
Comment: This sequence change replaces valine, which is neutral and non-polar, with methionine, which is neutral and non-polar, at codon 22 of the ENO3 protein (p.Val22Met). This variant is present in population databases (rs148673221, gnomAD 0.01%). This variant has not been reported in the literature in individuals affected with ENO3-related conditions. ClinVar contains an entry for this variant (Variation ID: 594898). Invitae Evidence Modeling of protein sequence and biophysical properties (such as structural, functional, and spatial information, amino acid conservation, physicochemical variation, residue mobility, and thermodynamic stability) indicates that this missense variant is expected to disrupt ENO3 protein function with a positive predictive value of 80%. In summary, the available evidence is currently insufficient to determine the role of this variant in disease. Therefore, it has been classified as a Variant of Uncertain Significance.

Mayo Clinic Laboratories, Mayo Clinic
Classification: Uncertain significance. Last evaluated: 2021-04-30. Review status: criteria provided, single submitter. Criteria: ACMG Guidelines, 2015. Collection method: clinical testing. Allele origin: germline.

Eurofins Ntd Llc (ga)
Classification: Uncertain significance. Last evaluated: 2017-11-15. Review status: criteria provided, single submitter. Criteria: EGL Classification Definitions 2015. Collection method: clinical testing. Allele origin: germline. Observed: 1 variant allele, 1 heterozygote.

Breakthrough Genomics
Classification: Uncertain significance. Review status: criteria provided, single submitter. Criteria: ACMG Guidelines, 2015. Collection method: not provided. Allele origin: germline. Inheritance: Autosomal recessive inheritance. Affected: yes.

NM_053013.4(ENO3):c.64G>A (p.Val22Met)

Gene: ENO3 (enolase 3; plus strand). Cytogenetic location: 17p13.2.
Variant type: single nucleotide variant.
Coding change: c.64G>A on transcript NM_053013.4 (MANE Select); coding-DNA position 64, G replaced by A.
Protein change: p.Val22Met; replaces valine 22 with methionine.
Molecular consequence: missense variant.
Genome position (GRCh38, 1-based): chr17:4,951,893, G>A. VCF-style: chr17-4951893-G-A. GRCh37 (hg19) VCF-style: chr17-4855188-G-A.
Other names: c.64G>A (NM_053013.3); c.64G>A, p.Val22Met (NM_001193503.2, NM_001976.5); short protein forms V22M.
Identifiers: ClinVar variation 594898 (VCV000594898.15), dbSNP rs148673221, ClinGen allele CA8316077.
Genomic context (GRCh38, chr17:4,951,893, plus strand): 5'-GCCATGCAGAAAATCTTTGCCCGGGAAATCTTGGACTCCAGGGGCAACCCCACGGTGGAG[G>A]TGGACCTGCACACGGCCAAGGGTAACACAAGGCCCATTGGATAGGCTCGCCTCCGAAGAC-3'
Protein context (NP_443739.3, residues 12-32): LDSRGNPTVE[Val22Met]DLHTAKGRFR